The following is an entry in ClinVar:

ClinVar aggregate classification (germline): Uncertain significance (1 of 4 stars; one submission).

Conditions:
Neurodevelopmental disorder with hypotonia, stereotypic hand movements, and impaired language. Also called: Intellectual disability, autosomal dominant 20. Identifiers: Orphanet 228384, Orphanet 664410, MedGen C3150700, MONDO:0013266, OMIM 613443.

Submission:

Labcorp Genetics (formerly Invitae), Labcorp
Classification: Uncertain significance for Neurodevelopmental disorder with hypotonia, stereotypic hand movements, and impaired language. Last evaluated: 2023-07-17. Review status: criteria provided, single submitter. Criteria: Invitae Variant Classification Sherloc (09022015). Collection method: clinical testing. Allele origin: germline.
Comment: In summary, the available evidence is currently insufficient to determine the role of this variant in disease. Therefore, it has been classified as a Variant of Uncertain Significance. Advanced modeling of protein sequence and biophysical properties (such as structural, functional, and spatial information, amino acid conservation, physicochemical variation, residue mobility, and thermodynamic stability) performed at Invitae indicates that this missense variant is expected to disrupt MEF2C protein function. ClinVar contains an entry for this variant (Variation ID: 2193757). This variant has not been reported in the literature in individuals affected with MEF2C-related conditions. This variant is not present in population databases (gnomAD no frequency). This sequence change replaces glutamic acid, which is acidic and polar, with lysine, which is basic and polar, at codon 14 of the MEF2C protein (p.Glu14Lys).

NM_002397.5(MEF2C):c.40G>A (p.Glu14Lys)

Gene: MEF2C (myocyte enhancer factor 2C; minus strand). Cytogenetic location: 5q14.3.
Variant type: single nucleotide variant.
Coding change: c.40G>A on transcript NM_002397.5 (MANE Select); coding-DNA position 40, G replaced by A.
Protein change: p.Glu14Lys; replaces glutamic acid 14 with lysine.
Molecular consequence: missense variant.
Genome position (GRCh38, 1-based): chr5:88,823,749, C>T on the plus strand (G>A on the coding strand, the complement: MEF2C is on the minus strand). VCF-style: chr5-88823749-C-T. GRCh37 (hg19) VCF-style: chr5-88119566-C-T.
Other names: c.40G>A, p.Glu14Lys (NM_001131005.2, NM_001193347.1, NM_001193348.1 and 29 more transcripts); short protein forms E14K.
Identifiers: ClinVar variation 2193757 (VCV002193757.4), dbSNP rs2532811523, ClinGen allele CA360425280.